The following is an entry in ClinVar:

ClinVar aggregate classification (germline): Likely pathogenic (1 of 4 stars; one submission).

Conditions:
Neutral 1 amino acid transport defect (HND). Also called: HARTNUP DISORDER; Hartnup disease. Identifiers: Orphanet 2116, MedGen C0018609, MONDO:0009324, OMIM 234500.

gnomAD v4.1: 5 of 1,610,120 alleles (0.00031%); highest among the groups gnomAD compares: Admixed American, 0.0017%; no homozygotes.

Submission:

Juno Genomics, Hangzhou Juno Genomics, Inc
Classification: Likely pathogenic for Neutral 1 amino acid transport defect. Review status: criteria provided, single submitter. Criteria: ACMG Guidelines, 2015. Collection method: clinical testing. Allele origin: germline.
Comment: Absent from controls (or at extremely low frequency if recessive) in Genome Aggregation Database.;Multiple lines of computational evidence support a deleterious effect on the gene or gene product.;For recessive disorders, detected in trans with a pathogenic variant.;Patient's phenotype or family history is highly specific for a disease with a single genetic etiology.

NM_001003841.3(SLC6A19):c.196G>A (p.Gly66Arg)

Gene: SLC6A19 (solute carrier family 6 member 19; plus strand). Cytogenetic location: 5p15.33.
Variant type: single nucleotide variant.
Coding change: c.196G>A on transcript NM_001003841.3 (MANE Select); coding-DNA position 196, G replaced by A.
Protein change: p.Gly66Arg; replaces glycine 66 with arginine.
Molecular consequence: missense variant.
Genome position (GRCh38, 1-based): chr5:1,201,846, G>A. VCF-style: chr5-1201846-G-A. GRCh37 (hg19) VCF-style: chr5-1201961-G-A.
Other names: short protein forms G66R.
Identifiers: ClinVar variation 5006818 (VCV005006818.2).